The following is an entry in ClinVar:

ClinVar aggregate classification (germline): Uncertain significance (1 of 4 stars; one submission).

Conditions:
Charcot-Marie-Tooth disease axonal type 2V. Also called: CHARCOT-MARIE-TOOTH NEUROPATHY, TYPE 2V; CHARCOT-MARIE-TOOTH DISEASE, AXONAL, AUTOSOMAL DOMINANT, TYPE 2V. Identifiers: Orphanet 447964, MedGen C5569050, MONDO:0014665, OMIM 616491.
Mucopolysaccharidosis, MPS-III-B (MPS3B). Also called: N-ACETYL-ALPHA-D-GLUCOSAMINIDASE DEFICIENCY; NAGLU DEFICIENCY; SANFILIPPO SYNDROME B; MPS III B; MUCOPOLYSACCHARIDOSIS, TYPE IIIB; MPS IIIB (Sanfilippo Syndrome Type B). Identifiers: Orphanet 79270, MedGen C0086648, MONDO:0009656, OMIM 252920.

Allele frequency attached by ClinVar (database versions not stated): gnomAD exomes below 0.00001.
gnomAD v4.1: 5 of 1,499,918 alleles (0.00033%); highest among the groups gnomAD compares: Non-Finnish European, 0.00044%; no homozygotes.

Submission:

Labcorp Genetics (formerly Invitae), Labcorp
Classification: Uncertain significance for Charcot-Marie-Tooth disease axonal type 2V; Mucopolysaccharidosis, MPS-III-B. Last evaluated: 2022-08-23. Review status: criteria provided, single submitter. Criteria: Invitae Variant Classification Sherloc (09022015). Collection method: clinical testing. Allele origin: germline.
Comment: This sequence change replaces asparagine, which is neutral and polar, with serine, which is neutral and polar, at codon 127 of the NAGLU protein (p.Asn127Ser). This variant is not present in population databases (gnomAD no frequency). This variant has not been reported in the literature in individuals affected with NAGLU-related conditions. Advanced modeling of protein sequence and biophysical properties (such as structural, functional, and spatial information, amino acid conservation, physicochemical variation, residue mobility, and thermodynamic stability) performed at Invitae indicates that this missense variant is not expected to disrupt NAGLU protein function. In summary, the available evidence is currently insufficient to determine the role of this variant in disease. Therefore, it has been classified as a Variant of Uncertain Significance.

NM_000263.4(NAGLU):c.380A>G (p.Asn127Ser)

Gene: NAGLU (N-acetyl-alpha-glucosaminidase; plus strand). Cytogenetic location: 17q21.2.
Variant type: single nucleotide variant.
Coding change: c.380A>G on transcript NM_000263.4 (MANE Select); coding-DNA position 380, A replaced by G.
Protein change: p.Asn127Ser; replaces asparagine 127 with serine.
Molecular consequence: missense variant.
Genome position (GRCh38, 1-based): chr17:42,536,652, A>G. VCF-style: chr17-42536652-A-G. GRCh37 (hg19) VCF-style: chr17-40688670-A-G.
Other names: short protein forms N127S.
Identifiers: ClinVar variation 2186121 (VCV002186121.1), dbSNP rs2092907145, ClinGen allele CA399596456.
Genomic context (GRCh38, chr17:42,536,652, plus strand): 5'-AGCTGCGCCTGCCGCGGCCACTGCCAGCCGTGCCGGGGGAGCTGACCGAGGCCACGCCCA[A>G]CAGGTACCGCCCCGAAGCTTCCCCGCGTCCGCCCGAGGCGCTTACCCCCTCCCGGAGCCG-3'
Protein context (NP_000254.2, residues 117-137): VPGELTEATP[Asn127Ser]RYRYYQNVCT